The following is an entry in ClinVar:

ClinVar aggregate classification (germline): Uncertain significance (1 of 4 stars; one submission).

Conditions:
RASopathy. Also called: Noonan spectrum disorder; rasopathies. Identifiers: Orphanet 536391, MedGen C5555857, MONDO:0021060.

Submission:

Labcorp Genetics (formerly Invitae), Labcorp
Classification: Uncertain significance for RASopathy. Last evaluated: 2025-02-14. Review status: criteria provided, single submitter. Criteria: Invitae Variant Classification Sherloc (09022015). Collection method: clinical testing. Allele origin: germline.
Comment: This sequence change replaces isoleucine, which is neutral and non-polar, with threonine, which is neutral and polar, at codon 484 of the RAF1 protein (p.Ile484Thr). This variant is not present in population databases (gnomAD no frequency). This variant has not been reported in the literature in individuals affected with RAF1-related conditions. Invitae Evidence Modeling incorporating data from in vitro experimental studies (internal data) indicates that this missense variant is not expected to disrupt RAF1 function with a negative predictive value of 95%. In summary, the available evidence is currently insufficient to determine the role of this variant in disease. Therefore, it has been classified as a Variant of Uncertain Significance.

NM_002880.4(RAF1):c.1451T>C (p.Ile484Thr)

Gene: RAF1 (Raf-1 proto-oncogene, serine/threonine kinase; minus strand). Cytogenetic location: 3p25.2.
Variant type: single nucleotide variant.
Coding change: c.1451T>C on transcript NM_002880.4 (MANE Select); coding-DNA position 1451, T replaced by C.
Protein change: p.Ile484Thr; replaces isoleucine 484 with threonine.
Molecular consequence: missense variant. On other transcripts: non-coding transcript variant (3).
Genome position (GRCh38, 1-based): chr3:12,585,766, A>G on the plus strand (T>C on the coding strand, the complement: RAF1 is on the minus strand). VCF-style: chr3-12585766-A-G. GRCh37 (hg19) VCF-style: chr3-12627265-A-G.
Other names: c.1511T>C, p.Ile504Thr (NM_001354689.3); c.1451T>C, p.Ile484Thr (NM_001354690.3); c.1208T>C, p.Ile403Thr (NM_001354691.3, NM_001354692.3); c.1352T>C, p.Ile451Thr (NM_001354693.3); c.1268T>C, p.Ile423Thr (NM_001354694.3); c.1109T>C, p.Ile370Thr (NM_001354695.3); short protein forms I403T, I423T, I504T, I451T, I484T, I370T.
Identifiers: ClinVar variation 3635593 (VCV003635593.2).